The following is an entry in ClinVar:

ClinVar aggregate classification (germline): Pathogenic (1 of 4 stars; one submission).

Submission:

Labcorp Genetics (formerly Invitae), Labcorp
Classification: Pathogenic. Last evaluated: 2020-01-30. Review status: criteria provided, single submitter. Criteria: Invitae Variant Classification Sherloc (09022015). Collection method: clinical testing. Allele origin: germline.
Comment: This sequence change creates a premature translational stop signal (p.Leu61Profs*14) in the HPS3 gene. It is expected to result in an absent or disrupted protein product. For these reasons, this variant has been classified as Pathogenic. Loss-of-function variants in HPS3 are known to be pathogenic (PMID: 11590544). This variant has not been reported in the literature in individuals with HPS3-related conditions. The frequency data for this variant in the population databases is considered unreliable, as metrics indicate insufficient coverage at this position in the ExAC database.

Literature cited by the submitters: PubMed 11590544.

NM_032383.5(HPS3):c.182_198del (p.Leu61fs)

Gene: HPS3 (HPS3 biogenesis of lysosomal organelles complex 2 subunit 1; plus strand). Cytogenetic location: 3q24.
Variant type: Deletion.
Coding change: c.182_198del on transcript NM_032383.5 (MANE Select); coding-DNA positions 182 to 198, 17 bases deleted (TGGGCCGGGTGTTGCGC).
Protein change: p.Leu61fs; shifts the reading frame from leucine 61.
Molecular consequence: frameshift variant.
Genome position (GRCh38, 1-based): chr3:149,129,905-149,129,921, TGGGCCGGGTGTTGCGC deleted; deleting any 17 consecutive bases within chr3:149,129,902-149,129,921 gives the same sequence; the c. name uses the placement nearest the transcript's 3' end. VCF-style (leftmost placement, unchanged base first): chr3-149129901-ACGCTGGGCCGGGTGTTG-A. GRCh37 (hg19) VCF-style: chr3-148847688-ACGCTGGGCCGGGTGTTG-A.
Other names: c.182_198del, p.Leu61fs (NM_001308258.2); short protein forms L61fs.
Identifiers: ClinVar variation 1068938 (VCV001068938.7), dbSNP rs2108112398, ClinGen allele CA2499216546.